The following is an entry in ClinVar:

ClinVar aggregate classification (germline): Uncertain significance. Review status: criteria provided, multiple submitters, no conflicts (2 of 4 stars). 2 submissions from 2 submitters: Uncertain significance (2). Last evaluated 2025-03-28.

Conditions:
Hereditary cancer-predisposing syndrome. Also called: Hereditary neoplastic syndrome; Neoplastic Syndromes, Hereditary; Hereditary Cancer Syndrome; Tumor predisposition. Identifiers: Orphanet 140162, MedGen C0027672, MeSH D009386, MONDO:0015356.
Gastrointestinal stromal tumor. Also called: Gastrointestinal stromal tumor, somatic; Gastrointestinal stroma tumor. Identifiers: Orphanet 44890, MedGen C0238198, MeSH D046152, MONDO:0011719, OMIM 606764, HP:0100723.

Submissions (2):

Ambry Genetics
Classification: Uncertain significance for Hereditary cancer-predisposing syndrome. Last evaluated: 2025-03-28. Review status: criteria provided, single submitter. Criteria: Ambry Variant Classification Scheme 2023. Collection method: clinical testing. Allele origin: germline.
Comment: The p.D591N variant (also known as c.1771G>A), located in coding exon 11 of the PDGFRA gene, results from a G to A substitution at nucleotide position 1771. The aspartic acid at codon 591 is replaced by asparagine, an amino acid with highly similar properties. This amino acid position is highly conserved in available vertebrate species. In addition, this alteration is predicted to be tolerated by in silico analysis. Based on the available evidence, the clinical significance of this variant remains unclear.

Labcorp Genetics (formerly Invitae), Labcorp
Classification: Uncertain significance for Gastrointestinal stromal tumor. Last evaluated: 2019-10-12. Review status: criteria provided, single submitter. Criteria: Invitae Variant Classification Sherloc (09022015). Collection method: clinical testing. Allele origin: germline.
Comment: This sequence change replaces aspartic acid with asparagine at codon 591 of the PDGFRA protein (p.Asp591Asn). The aspartic acid residue is highly conserved and there is a small physicochemical difference between aspartic acid and asparagine. This variant is not present in population databases (ExAC no frequency). This variant has not been reported in the literature in individuals with PDGFRA-related conditions. Algorithms developed to predict the effect of missense changes on protein structure and function are either unavailable or do not agree on the potential impact of this missense change (SIFT: "Deleterious"; PolyPhen-2: "Probably Damaging"; Align-GVGD: "Class C0"). In summary, the available evidence is currently insufficient to determine the role of this variant in disease. Therefore, it has been classified as a Variant of Uncertain Significance.

NM_006206.6(PDGFRA):c.1771G>A (p.Asp591Asn)

Gene: PDGFRA (platelet derived growth factor receptor alpha; plus strand). Cytogenetic location: 4q12.
Variant type: single nucleotide variant.
Coding change: c.1771G>A on transcript NM_006206.6 (MANE Select); coding-DNA position 1771, G replaced by A.
Protein change: p.Asp591Asn; replaces aspartic acid 591 with asparagine.
Molecular consequence: missense variant.
Genome position (GRCh38, 1-based): chr4:54,274,958, G>A. VCF-style: chr4-54274958-G-A. GRCh37 (hg19) VCF-style: chr4-55141125-G-A.
Other names: c.1771G>A, p.Asp591Asn (NM_001347827.2, NM_001347829.2); c.1846G>A, p.Asp616Asn (NM_001347828.2); c.1810G>A, p.Asp604Asn (NM_001347830.2); short protein forms D616N, D604N, D591N.
Identifiers: ClinVar variation 965392 (VCV000965392.11), dbSNP rs1723640236, ClinGen allele CA356893280.